The following is an entry in ClinVar:

NM_001376013.1(EPB41):c.255G>A (p.Ser85=)

Gene: EPB41 (erythrocyte membrane protein band 4.1; plus strand). Cytogenetic location: 1p35.3.
Variant type: single nucleotide variant.
Coding change: c.255G>A on transcript NM_001376013.1 (MANE Select); coding-DNA position 255, G replaced by A.
Protein change: p.Ser85=; no amino-acid change (serine 85 retained).
Molecular consequence: synonymous variant. On other transcripts: 5 prime UTR variant (10).
Genome position (GRCh38, 1-based): chr1:28,987,692, G>A. VCF-style: chr1-28987692-G-A. GRCh37 (hg19) VCF-style: chr1-29314204-G-A.
Other names: c.255G>A, p.Ser85= (NM_001166005.2, NM_001166006.2, NM_001376014.1 and 8 more transcripts); c.-373G>A (NM_001166007.2, NM_001376022.1, NM_001376023.1 and 5 more transcripts); c.-453G>A (NM_004437.4, NM_203342.3).
Identifiers: ClinVar variation 3046789 (VCV003046789.4), dbSNP rs375223119, ClinGen allele CA724193.

ClinVar aggregate classification (germline): Likely benign. Review status: criteria provided, single submitter (1 of 4 stars). 2 submissions from 2 submitters: Likely benign (1). 1 of the submissions does not count toward it. Last evaluated 2025-02-04.

Conditions:
EPB41-related disorder. Also called: EPB41-related condition.

Allele frequency attached by ClinVar (database versions not stated): 1000 Genomes Project 30x 0.00016; ExAC 0.00010; ESP Exome Variant Server 0.00008; gnomAD 0.00018; 1000 Genomes Project 0.00020; TOPMed 0.00023.
gnomAD v4.1: 55 of 1,614,174 alleles (0.0034%); highest among the groups gnomAD compares: African/African-American, 0.048%; no homozygotes.

Submissions (2):

Labcorp Genetics (formerly Invitae), Labcorp
Classification: Likely benign. Last evaluated: 2025-02-04. Review status: criteria provided, single submitter. Criteria: Invitae Variant Classification Sherloc (09022015). Collection method: clinical testing. Allele origin: germline.

PreventionGenetics, part of Exact Sciences
Classification: Likely benign for EPB41-related condition. Last evaluated: 2021-02-16. Review status: no assertion criteria provided. Collection method: clinical testing. Allele origin: germline. Not counted in ClinVar's aggregate classification.
Comment: This variant is classified as likely benign based on ACMG/AMP sequence variant interpretation guidelines (Richards et al. 2015 PMID: 25741868, with internal and published modifications).